The following is an entry in ClinVar:

ClinVar aggregate classification (germline): Uncertain significance (1 of 4 stars; one submission).

Conditions:
Hereditary cancer-predisposing syndrome. Also called: Neoplastic Syndromes, Hereditary; Tumor predisposition; Hereditary neoplastic syndrome; Hereditary Cancer Syndrome. Identifiers: Orphanet 140162, MedGen C0027672, MeSH D009386, MONDO:0015356.

Submission:

Ambry Genetics
Classification: Uncertain significance for Hereditary cancer-predisposing syndrome. Last evaluated: 2026-07-07. Review status: criteria provided, single submitter. Criteria: Ambry Variant Classification Scheme 2023. Collection method: clinical testing. Allele origin: germline.
Comment: The p.S314Y variant (also known as c.941C>A), located in coding exon 5 of the FLCN gene, results from a C to A substitution at nucleotide position 941. The serine at codon 314 is replaced by tyrosine, an amino acid with dissimilar properties. This amino acid position is conserved. In addition, this alteration is predicted to be tolerated by in silico analysis. Based on the available evidence, the clinical significance of this variant remains unclear.

NM_144997.7(FLCN):c.871+70C>A

Gene: FLCN (folliculin; minus strand). Cytogenetic location: 17p11.2.
Variant type: single nucleotide variant.
Coding change: c.871+70C>A on transcript NM_144997.7 (MANE Select); 70 bases into the intron after coding-DNA position 871, C replaced by A.
Molecular consequence: intron variant. On other transcripts: missense variant (1).
Genome position (GRCh38, 1-based): chr17:17,221,467, G>T on the plus strand (C>A on the coding strand, the complement: FLCN is on the minus strand). VCF-style: chr17-17221467-G-T. GRCh37 (hg19) VCF-style: chr17-17124781-G-T.
Other names: c.941C>A, p.Ser314Tyr (NM_144606.7); c.871+70C>A (NM_001353231.2, NM_001353230.2); c.925+70C>A (NM_001353229.2); short protein forms S314Y.
Identifiers: ClinVar variation 5021857 (VCV005021857.1).
Genomic context (GRCh38, chr17:17,221,467, plus strand): 5'-CGAAGGCTCGTTCTGGGCTGATTCAGAGCCGCGTTTCCCTCCCTCAGCGATTCCTGCCAG[G>T]AGAGCAGACAGCTGGTACCGCCCCACGGCCATCCGGGCCAAGGCCCCGGCAACAGCACCC-3'